The following is an entry in ClinVar:

ClinVar aggregate classification (germline): Likely benign. Review status: criteria provided, multiple submitters, no conflicts (2 of 4 stars). 3 submissions from 3 submitters: Likely benign (2). 1 of the submissions does not count toward it. Last evaluated 2024-11-28.

Conditions:
LIPE-related disorder. Also called: LIPE-related condition.

Allele frequency attached by ClinVar (database versions not stated): 1000 Genomes Project 0.00060; 1000 Genomes Project 30x 0.00062; ExAC 0.00069; TOPMed 0.00076; gnomAD 0.00079; ESP Exome Variant Server 0.00085.
gnomAD v4.1: 1,929 of 1,613,352 alleles (0.12%); highest among the groups gnomAD compares: Non-Finnish European, 0.15%; 3 homozygotes.

Submissions (3):

Blueprint Genetics
Classification: Likely benign. Last evaluated: 2024-11-28. Review status: criteria provided, single submitter. Criteria: ACMG Guidelines, 2015. Collection method: clinical testing. Allele origin: germline.

Labcorp Genetics (formerly Invitae), Labcorp
Classification: Likely benign. Last evaluated: 2019-12-31. Review status: criteria provided, single submitter. Criteria: Invitae Variant Classification Sherloc (09022015). Collection method: clinical testing. Allele origin: germline.

PreventionGenetics, part of Exact Sciences
Classification: Likely benign for LIPE-related condition. Last evaluated: 2020-06-11. Review status: no assertion criteria provided. Collection method: clinical testing. Allele origin: germline. Not counted in ClinVar's aggregate classification.
Comment: This variant is classified as likely benign based on ACMG/AMP sequence variant interpretation guidelines (Richards et al. 2015 PMID: 25741868, with internal and published modifications).

NM_005357.4(LIPE):c.1638C>T (p.Thr546=)

Genes: LIPE (lipase E, hormone sensitive type; minus strand), LIPE-AS1 (LIPE antisense RNA 1; plus strand), LOC101930071 (uncharacterized LOC101930071; plus strand). Cytogenetic location: 19q13.2.
Variant type: single nucleotide variant.
Coding change: c.1638C>T on transcript NM_005357.4 (MANE Select); coding-DNA position 1638, C replaced by T.
Protein change: p.Thr546=; no amino-acid change (threonine 546 retained).
Molecular consequence: synonymous variant.
Genome position (GRCh38, 1-based): chr19:42,407,994, G>A on the plus strand (C>T on the coding strand, the complement: LIPE is on the minus strand). VCF-style: chr19-42407994-G-A. GRCh37 (hg19) VCF-style: chr19-42912146-G-A.
Identifiers: ClinVar variation 708847 (VCV000708847.7), dbSNP rs142745694, ClinGen allele CA9476956.